The following is an entry in ClinVar:

ClinVar aggregate classification (germline): Benign. Review status: reviewed by expert panel (3 of 4 stars). 14 submissions from 14 submitters: Benign (1). 13 of the submissions do not count toward it. Last evaluated 2025-11-11.

Conditions:
MYH7-related disorder. Also called: MYH7-related condition; MYH7-related disease; MYH7-related disorders.
Cardiovascular phenotype. Identifiers: MedGen CN230736.
Cardiomyopathy (CMYO). Also called: Cardiomyopathies. Identifiers: Orphanet 167848, MedGen C0878544, MONDO:0004994, HP:0001638. Inheritance: Various modes of inheritance.
Hypertrophic cardiomyopathy. Also called: HYPERTROPHIC MYOCARDIOPATHY. Identifiers: Orphanet 217569, MedGen C0007194, MeSH D002312, MONDO:0005045, HP:0001639.

Allele frequency attached by ClinVar (database versions not stated): ESP Exome Variant Server 0.00031; TOPMed 0.00039; gnomAD 0.00054; 1000 Genomes Project 30x 0.00109; 1000 Genomes Project 0.00120.
gnomAD v4.1: 114 of 1,614,010 alleles (0.0071%); highest among the groups gnomAD compares: African/African-American, 0.14%; 1 homozygote.

Submissions (14):

ClinGen Cardiomyopathy Variant Curation Expert Panel
Classification: Benign for Hypertrophic cardiomyopathy. Last evaluated: 2025-11-11. Review status: reviewed by expert panel. Criteria: ClinGen CMP ACMG Specifications v1. Collection method: curation. Allele origin: germline. Inheritance: Autosomal dominant inheritance.
Comment: The filtering allele frequency of the c.3777C>T (p.His1259=) variant in the MYH7 gene is 0.14% (22/10406) of African chromosomes by the Exome Aggregation Consortium, which is a high enough frequency to be classified as benign based on thresholds defined by the ClinGen Inherited Cardiomyopathy Expert Panel (BA1; PMID:29300372).

PreventionGenetics, part of Exact Sciences
Classification: Likely benign for MYH7-related condition. Last evaluated: 2026-07-02. Review status: criteria provided, single submitter. Criteria: ACMG Guidelines, 2015. Collection method: clinical testing. Allele origin: germline. Not counted in ClinVar's aggregate classification.
Comment: This variant is classified as likely benign based on ACMG/AMP sequence variant interpretation guidelines (Richards et al. 2015 PMID: 25741868, with internal and published modifications).

Labcorp Genetics (formerly Invitae), Labcorp
Classification: Benign for Hypertrophic cardiomyopathy. Last evaluated: 2026-01-11. Review status: criteria provided, single submitter. Criteria: Invitae Variant Classification Sherloc (09022015). Collection method: clinical testing. Allele origin: germline. Not counted in ClinVar's aggregate classification.

All of Us Research Program, National Institutes of Health
Classification: Benign for Cardiomyopathy. Last evaluated: 2024-01-11. Review status: criteria provided, single submitter. Criteria: ACMG Guidelines, 2015. Collection method: clinical testing. Allele origin: germline. Inheritance: Autosomal dominant inheritance. Observed: 24 variant alleles, 24 heterozygotes. Not counted in ClinVar's aggregate classification.
Comment: This study involves interpretation of variants in research participants for the purpose of population health screening. Participant phenotype was not available at the time of variant classification. Additional details can be found in publication PMID: 35346344, PMCID: PMC8962531

CHEO Genetics Diagnostic Laboratory, Children's Hospital of Eastern Ontario
Classification: Benign for Cardiomyopathy. Last evaluated: 2023-05-16. Review status: criteria provided, single submitter. Criteria: ACMG Guidelines, 2015. Collection method: clinical testing. Allele origin: germline. Not counted in ClinVar's aggregate classification.

Cohesion Phenomics
Classification: Benign for Hypertrophic Cardiomyopathy. Last evaluated: 2022-09-27. Review status: criteria provided, single submitter. Criteria: ACMG Guidelines, 2015. Collection method: clinical testing. Allele origin: germline. Affected: yes. Not counted in ClinVar's aggregate classification.

Blueprint Genetics
Classification: Likely benign. Last evaluated: 2021-01-21. Review status: criteria provided, single submitter. Criteria: ACMG Guidelines, 2015. Collection method: clinical testing. Allele origin: germline. Not counted in ClinVar's aggregate classification.

Color Diagnostics, LLC DBA Color Health
Classification: Benign for Cardiomyopathy. Last evaluated: 2019-02-10. Review status: criteria provided, single submitter. Criteria: ACMG Guidelines, 2015. Collection method: clinical testing. Allele origin: germline. Not counted in ClinVar's aggregate classification.

Ambry Genetics
Classification: Likely benign for Cardiovascular phenotype. Last evaluated: 2018-01-09. Review status: criteria provided, single submitter. Criteria: Ambry Variant Classification Scheme 2023. Collection method: clinical testing. Allele origin: germline. Not counted in ClinVar's aggregate classification.

Women's Health and Genetics/Laboratory Corporation of America, LabCorp
Classification: Likely benign. Last evaluated: 2017-06-26. Review status: criteria provided, single submitter. Criteria: LabCorp Variant Classification Summary - May 2015. Collection method: clinical testing. Allele origin: germline. Not counted in ClinVar's aggregate classification.
Comment: Variant summary: The MYH7 c.3777C>T (p.His1259His) variant involves the alteration of a non-conserved nucleotide, resulting in a synonymous change. One in silico tool predicts a polymorphism outcome for this variant. 5/5 splice prediction tools predict no significant impact on normal splicing. ESE finder predicts that this variant may affect ESE sites. However, these predictions have yet to be confirmed by functional studies. This variant was found in 23/121404 control chromosomes (1 homozygote), predominantly observed in the African subpopulation at a frequency of 0.002114 (22/10406). This frequency is about 2 times the estimated maximal expected allele frequency of a pathogenic MYH7 variant (0.0012508), suggesting this is likely a benign polymorphism found primarily in the populations of African origin. In addition, multiple clinical diagnostic laboratories/reputable databases classified this variant as benign/likely benign and one lab classified it as VUS, all without evidence for independent evaluaiton. Taken together, this variant is classified as likely benign.

GeneDx
Classification: Benign. Last evaluated: 2015-03-03. Review status: criteria provided, single submitter. Criteria: GeneDx Variant Classification Process June 2021. Collection method: clinical testing. Allele origin: germline. Affected: yes. Not counted in ClinVar's aggregate classification.

Laboratory for Molecular Medicine, Mass General Brigham Personalized Medicine
Classification: Likely benign. Last evaluated: 2011-11-14. Review status: criteria provided, single submitter. Criteria: LMM Criteria. Collection method: clinical testing. Allele origin: germline. Observed: 2 variant alleles. Not counted in ClinVar's aggregate classification.
Comment: His1259His in exon 28 of MYH7: This variant has been reported in the SNP databas e (rs149103761; allele frequency = n/a). It does not change an amino acid and do es not affect the splice consensus sequence. This makes a disease causing role v ery unlikely. His1259His in exon 28 of MYH7 (rs149103761; allele frequency = n/ a)

Clinical Genetics, Academic Medical Center
Classification: Benign. Review status: no assertion criteria provided. Collection method: clinical testing. Allele origin: germline. Affected: yes. Study: VKGL Data-share Consensus. Not counted in ClinVar's aggregate classification.

Joint Genome Diagnostic Labs from Nijmegen and Maastricht, Radboudumc and MUMC+
Classification: Likely benign. Review status: no assertion criteria provided. Collection method: clinical testing. Allele origin: germline. Affected: yes. Study: VKGL Data-share Consensus. Not counted in ClinVar's aggregate classification.

Literature cited by the submitters: PubMed 29300372 (cited by ClinGen Cardiomyopathy Variant Curation Expert Panel); PubMed 24503780 (cited by Women's Health and Genetics/Laboratory Corporation of America, LabCorp).

NM_000257.4(MYH7):c.3777C>T (p.His1259=)

Gene: MYH7 (myosin heavy chain 7; minus strand). Cytogenetic location: 14q11.2.
Variant type: single nucleotide variant.
Coding change: c.3777C>T on transcript NM_000257.4 (MANE Select); coding-DNA position 3777, C replaced by T.
Protein change: p.His1259=; no amino-acid change (histidine 1259 retained).
Molecular consequence: synonymous variant.
Genome position (GRCh38, 1-based): chr14:23,419,559, G>A on the plus strand (C>T on the coding strand, the complement: MYH7 is on the minus strand). VCF-style: chr14-23419559-G-A. GRCh37 (hg19) VCF-style: chr14-23888768-G-A.
Other names: NM_000257.3(MYH7):c.3777C>T.
Identifiers: ClinVar variation 42974 (VCV000042974.27), dbSNP rs149103761, ClinGen allele CA014078.